The following is an entry in ClinVar:

ClinVar aggregate classification (germline): Pathogenic (1 of 4 stars; one submission).

Conditions:
Familial cancer of breast. Also called: Hereditary breast cancer; BREAST CANCER, FAMILIAL; hereditary breast carcinoma. Identifiers: Orphanet 227535, MedGen C0346153, MONDO:0016419, OMIM 114480. Disease mechanism: loss of function.

Submission:

Myriad Genetics, Inc.
Classification: Pathogenic for Familial cancer of breast. Last evaluated: 2023-05-19. Review status: criteria provided, single submitter. Criteria: Myriad Autosomal Dominant, Autosomal Recessive and X-Linked Classification Criteria (2023). Collection method: clinical testing. Allele origin: unknown.
Comment: This variant is considered pathogenic. This variant creates a frameshift predicted to result in premature protein truncation.

NM_000465.4(BARD1):c.776del (p.Asp259fs)

Gene: BARD1 (BRCA1 associated RING domain 1; minus strand). Cytogenetic location: 2q35.
Variant type: Deletion.
Coding change: c.776del on transcript NM_000465.4 (MANE Select); coding-DNA position 776, one base deleted (A; older notation c.776delA).
Protein change: p.Asp259fs; shifts the reading frame from aspartic acid 259.
Molecular consequence: frameshift variant. On other transcripts: non-coding transcript variant (2), intron variant (3).
Genome position (GRCh38, 1-based): chr2:214,781,098, T deleted on the plus strand (A on the coding strand, the reverse complement: BARD1 is on the minus strand). VCF-style (leftmost placement, unchanged base first): chr2-214781097-GT-G. GRCh37 (hg19) VCF-style: chr2-215645821-GT-G.
Other names: c.158+28314del (NM_001282548.2); c.215+15963del (NM_001282545.2); c.719del, p.Asp240fs (NM_001282543.2); c.364+11199del (NM_001282549.2); short protein forms D240fs, D259fs.
Identifiers: ClinVar variation 2583654 (VCV002583654.2), dbSNP rs2469508458, ClinGen allele CA2582342089.